The following is an entry in ClinVar:

NM_000548.5(TSC2):c.1911C>T (p.Val637=)

Gene: TSC2 (TSC complex subunit 2; plus strand). Cytogenetic location: 16p13.3.
Variant type: single nucleotide variant.
Coding change: c.1911C>T on transcript NM_000548.5 (MANE Select); coding-DNA position 1911, C replaced by T.
Protein change: p.Val637=; no amino-acid change (valine 637 retained).
Molecular consequence: synonymous variant.
Genome position (GRCh38, 1-based): chr16:2,071,581, C>T. VCF-style: chr16-2071581-C-T. GRCh37 (hg19) VCF-style: chr16-2121582-C-T.
Other names: c.1911C>T, p.Val637= (NM_001077183.3, NM_001114382.3, NM_001363528.2 and 3 more transcripts); c.1800C>T, p.Val600= (NM_001318827.2); c.1764C>T, p.Val588= (NM_001318829.2); c.1311C>T, p.Val437= (NM_001318831.2); c.1944C>T, p.Val648= (NM_001318832.2); c.1911C>T (NM_000548.4).
Identifiers: ClinVar variation 536024 (VCV000536024.27), dbSNP rs543584836, ClinGen allele CA034443.
Genomic context (GRCh38, chr16:2,071,581, plus strand): 5'-CCTGTTGCTGCTGCGGGCCGACTCACTGCACCGCCTGGGCCTGCCCAACAAGGATGGAGT[C>T]GTGCGGTTCAGCCCCTACTGCGTCTGCGACTACATGTACGCGGGACCTCGCCCACGGCCC-3'
Protein context (NP_000539.2, residues 627-647): HRLGLPNKDG[Val637=]VRFSPYCVCD

ClinVar aggregate classification (germline): Benign/Likely benign. Review status: criteria provided, multiple submitters, no conflicts (2 of 4 stars). 10 submissions from 10 submitters: Benign (3); Likely benign (7). Last evaluated 2025-12-17.

Conditions:
Hereditary cancer-predisposing syndrome. Also called: Tumor predisposition; Hereditary neoplastic syndrome; Neoplastic Syndromes, Hereditary; Hereditary Cancer Syndrome. Identifiers: Orphanet 140162, MedGen C0027672, MeSH D009386, MONDO:0015356.
Tuberous sclerosis 2 (TSC2). Identifiers: Orphanet 805, MedGen C1860707, MONDO:0013199, OMIM 613254.
TSC2-related disorder. Also called: TSC2-related condition; TSC2-Related Disorders.
Tuberous sclerosis syndrome (TSC). Also called: Tuberous Sclerosis Complex; Tuberous sclerosis. Identifiers: Orphanet 805, MedGen C0041341, MONDO:0001734.

Allele frequency attached by ClinVar (database versions not stated): ExAC 0.00001; gnomAD 0.00001; gnomAD exomes 0.00002; TOPMed 0.00002; 1000 Genomes Project 30x 0.00016; 1000 Genomes Project 0.00020.
gnomAD v4.1: 30 of 1,613,482 alleles (0.0019%); highest among the groups gnomAD compares: Admixed American, 0.02%; no homozygotes.

Submissions (10):

PreventionGenetics, part of Exact Sciences
Classification: Likely benign for TSC2-related condition. Last evaluated: 2025-12-17. Review status: criteria provided, single submitter. Criteria: ACMG Guidelines, 2015. Collection method: clinical testing. Allele origin: germline.
Comment: This variant is classified as likely benign based on ACMG/AMP sequence variant interpretation guidelines (Richards et al. 2015 PMID: 25741868, with internal and published modifications).

Labcorp Genetics (formerly Invitae), Labcorp
Classification: Benign for Tuberous sclerosis 2. Last evaluated: 2025-10-31. Review status: criteria provided, single submitter. Criteria: Invitae Variant Classification Sherloc (09022015). Collection method: clinical testing. Allele origin: germline.

Myriad Genetics, Inc.
Classification: Benign for Tuberous sclerosis 2. Last evaluated: 2025-05-16. Review status: criteria provided, single submitter. Criteria: Myriad Autosomal Dominant, Autosomal Recessive and X-Linked Classification Criteria (2023). Collection method: clinical testing. Allele origin: unknown.
Comment: This variant is considered benign. This variant is a silent/synonymous amino acid change and it is not expected to impact splicing.

Blueprint Genetics
Classification: Likely benign. Last evaluated: 2024-11-06. Review status: criteria provided, single submitter. Criteria: ACMG Guidelines, 2015. Collection method: clinical testing. Allele origin: germline.

All of Us Research Program, National Institutes of Health
Classification: Likely benign for Tuberous sclerosis syndrome. Last evaluated: 2024-01-03. Review status: criteria provided, single submitter. Criteria: ACMG Guidelines, 2015. Collection method: clinical testing. Allele origin: germline. Inheritance: Autosomal dominant inheritance. Observed: 4 variant alleles, 4 heterozygotes.
Comment: This study involves interpretation of variants in research participants for the purpose of population health screening. Participant phenotype was not available at the time of variant classification. Additional details can be found in publication PMID: 35346344, PMCID: PMC8962531

Color Diagnostics, LLC DBA Color Health
Classification: Likely benign for Tuberous sclerosis syndrome. Last evaluated: 2022-09-22. Review status: criteria provided, single submitter. Criteria: ACMG Guidelines, 2015. Collection method: clinical testing. Allele origin: germline.

Genome-Nilou Lab
Classification: Benign for Tuberous sclerosis 2. Last evaluated: 2021-11-07. Review status: criteria provided, single submitter. Criteria: ACMG Guidelines, 2015. Collection method: clinical testing. Allele origin: germline. Affected: no.

GeneDx
Classification: Likely benign. Last evaluated: 2020-12-14. Review status: criteria provided, single submitter. Criteria: GeneDx Variant Classification Process June 2021. Collection method: clinical testing. Allele origin: germline. Affected: yes.

Women's Health and Genetics/Laboratory Corporation of America, LabCorp
Classification: Likely benign. Last evaluated: 2019-08-29. Review status: criteria provided, single submitter. Criteria: LabCorp Variant Classification Summary - May 2015. Collection method: clinical testing. Allele origin: germline.

Ambry Genetics
Classification: Likely benign for Hereditary cancer-predisposing syndrome. Last evaluated: 2018-12-26. Review status: criteria provided, single submitter. Criteria: Ambry Variant Classification Scheme 2023. Collection method: clinical testing. Allele origin: germline.